The following is an entry in ClinVar:

NM_006231.4(POLE):c.38_39insG (p.Gly14fs)

Genes: POLE (DNA polymerase epsilon, catalytic subunit; minus strand), LOC130009266 (ATAC-STARR-seq lymphoblastoid silent region 5123; plus strand). Cytogenetic location: 12q24.33.
Variant type: Insertion.
Coding change: c.38_39insG on transcript NM_006231.4 (MANE Select); coding-DNA positions 38 to 39, G inserted.
Protein change: p.Gly14fs; shifts the reading frame from glycine 14.
Molecular consequence: frameshift variant.
Genome position: GRCh38 VCF-style: chr12-132687277-T-TC. GRCh37 (hg19) VCF-style: chr12-133263863-T-TC.
Other names: c.38_39insG (NM_006231.2); short protein forms G14fs.
Identifiers: ClinVar variation 2695738 (VCV002695738.4), dbSNP rs2542221939, ClinGen allele CA2697551655.

ClinVar aggregate classification (germline): Conflicting classifications of pathogenicity. Review status: criteria provided, conflicting classifications (1 of 4 stars). 2 submissions from 2 submitters: Pathogenic (1); Uncertain significance (1). Last evaluated 2025-07-17.

Conditions:
Hereditary cancer-predisposing syndrome. Also called: Neoplastic Syndromes, Hereditary; Tumor predisposition; Hereditary neoplastic syndrome; Hereditary Cancer Syndrome. Identifiers: Orphanet 140162, MedGen C0027672, MeSH D009386, MONDO:0015356.

Submissions (2):

Ambry Genetics
Classification: Uncertain significance for Hereditary cancer-predisposing syndrome. Last evaluated: 2025-07-17. Review status: criteria provided, single submitter. Criteria: Ambry Variant Classification Scheme 2023. Collection method: clinical testing. Allele origin: germline.
Comment: The c.38_39insG variant, located in coding exon 1 of the POLE gene, results from an insertion of one nucleotide at position 38, causing a translational frameshift with a predicted alternate stop codon (p.G14Rfs*10). The predicted stop codon occurs in the 5&rsquo; end of thePOLE gene. Premature termination codons in the 5&rsquo; end of a gene have been reported to escape nonsense-mediated mRNAdecay and/or lead to re-initiation (Rivas et al. Science. 2015 May 8;348(6235):666-9; Lindeboom et al. Nat Genet. 2016 Oct;48(10):1112-8; Rhee et al. Sci Rep. 2017 May 10;7(1):1653). Direct evidence for this alteration is unavailable, however premature termination codons are typically deleterious in nature. Although biallelic loss of function of POLE has been associated with autosomal recessive POLE deficiency, haploinsufficiency of POLE has not been established as a mechanism of disease for POLE-related polymerase proofreading-associated polyposis (PPAP) and POLE-related CMMRD-like syndrome. Based on the supporting evidence, this variant is expected to be causative of POLE deficiency when present along with a second pathogenic variant on the other allele; however, its clinical significance for PPAP and POLE-related CMMRD-like syndrome is unclear.

Labcorp Genetics (formerly Invitae), Labcorp
Classification: Pathogenic. Last evaluated: 2023-11-14. Review status: criteria provided, single submitter. Criteria: Invitae Variant Classification Sherloc (09022015). Collection method: clinical testing. Allele origin: germline.
Comment: This sequence change creates a premature translational stop signal (p.Gly14Argfs*10) in the POLE gene. It is expected to result in an absent or disrupted protein product. Loss-of-function variants in POLE are known to be pathogenic (PMID: 23230001, 25948378, 30503519). This variant is not present in population databases (gnomAD no frequency). This variant has not been reported in the literature in individuals affected with POLE-related conditions. For these reasons, this variant has been classified as Pathogenic.

Literature cited by the submitters: PubMed 23230001 (cited by Labcorp Genetics (formerly Invitae), Labcorp); PubMed 25948378 (cited by Labcorp Genetics (formerly Invitae), Labcorp); PubMed 30503519 (cited by Labcorp Genetics (formerly Invitae), Labcorp).